The following is an entry in ClinVar:

ClinVar aggregate classification (germline): Uncertain significance. Review status: criteria provided, multiple submitters, no conflicts (2 of 4 stars). 3 submissions from 3 submitters: Uncertain significance (3). Last evaluated 2026-05-11.

Conditions:
Familial cancer of breast. Also called: BREAST CANCER, FAMILIAL; hereditary breast carcinoma; Hereditary breast cancer. Identifiers: Orphanet 227535, MedGen C0346153, MONDO:0016419, OMIM 114480. Disease mechanism: loss of function.
Hereditary cancer-predisposing syndrome. Also called: Hereditary Cancer Syndrome; Tumor predisposition; Neoplastic Syndromes, Hereditary; Hereditary neoplastic syndrome. Identifiers: Orphanet 140162, MedGen C0027672, MeSH D009386, MONDO:0015356.

Submissions (3):

Women's Health and Genetics/Laboratory Corporation of America, LabCorp
Classification: Uncertain significance. Last evaluated: 2026-05-11. Review status: criteria provided, single submitter. Criteria: LabCorp Variant Classification Summary - May 2015. Collection method: clinical testing. Allele origin: germline.

Ambry Genetics
Classification: Uncertain significance for Hereditary cancer-predisposing syndrome. Last evaluated: 2024-04-26. Review status: criteria provided, single submitter. Criteria: Ambry Variant Classification Scheme 2023. Collection method: clinical testing. Allele origin: germline.
Comment: The p.D495E variant (also known as c.1485C>G), located in coding exon 6 of the BARD1 gene, results from a C to G substitution at nucleotide position 1485. The aspartic acid at codon 495 is replaced by glutamic acid, an amino acid with highly similar properties. This amino acid position is conserved. In addition, this alteration is predicted to be tolerated by in silico analysis. Based on the available evidence, the clinical significance of this variant remains unclear.

Labcorp Genetics (formerly Invitae), Labcorp
Classification: Uncertain significance for Familial cancer of breast. Last evaluated: 2021-04-02. Review status: criteria provided, single submitter. Criteria: Invitae Variant Classification Sherloc (09022015). Collection method: clinical testing. Allele origin: germline.
Comment: This sequence change replaces aspartic acid with glutamic acid at codon 495 of the BARD1 protein (p.Asp495Glu). The aspartic acid residue is highly conserved and there is a small physicochemical difference between aspartic acid and glutamic acid. This variant is not present in population databases (ExAC no frequency). This variant has not been reported in the literature in individuals with BARD1-related conditions. Algorithms developed to predict the effect of missense changes on protein structure and function (SIFT, PolyPhen-2, Align-GVGD) all suggest that this variant is likely to be disruptive, but these predictions have not been confirmed by published functional studies and their clinical significance is uncertain. In summary, the available evidence is currently insufficient to determine the role of this variant in disease. Therefore, it has been classified as a Variant of Uncertain Significance.

NM_000465.4(BARD1):c.1485C>G (p.Asp495Glu)

Gene: BARD1 (BRCA1 associated RING domain 1; minus strand). Cytogenetic location: 2q35.
Variant type: single nucleotide variant.
Coding change: c.1485C>G on transcript NM_000465.4 (MANE Select); coding-DNA position 1485, C replaced by G.
Protein change: p.Asp495Glu; replaces aspartic acid 495 with glutamic acid.
Molecular consequence: missense variant. On other transcripts: non-coding transcript variant (3), intron variant (3).
Genome position (GRCh38, 1-based): chr2:214,767,565, G>C on the plus strand (C>G on the coding strand, the complement: BARD1 is on the minus strand). VCF-style: chr2-214767565-G-C. GRCh37 (hg19) VCF-style: chr2-215632289-G-C.
Other names: c.1428C>G, p.Asp476Glu (NM_001282543.2); c.159-15010C>G (NM_001282548.2); c.216-15010C>G (NM_001282545.2); c.364+24732C>G (NM_001282549.2); c.1485C>G (NM_000465.2); short protein forms D476E, D495E.
Identifiers: ClinVar variation 1478367 (VCV001478367.11), dbSNP rs1694268958, ClinGen allele CA350448411.